The following is an entry in ClinVar:

NM_014520.4(MYBBP1A):c.3018G>A (p.Pro1006=)

Gene: MYBBP1A (MYB binding protein 1a; minus strand). Cytogenetic location: 17p13.2.
Variant type: single nucleotide variant.
Coding change: c.3018G>A on transcript NM_014520.4 (MANE Select); coding-DNA position 3018, G replaced by A.
Protein change: p.Pro1006=; no amino-acid change (proline 1006 retained).
Molecular consequence: synonymous variant.
Genome position (GRCh38, 1-based): chr17:4,542,616, C>T on the plus strand (G>A on the coding strand, the complement: MYBBP1A is on the minus strand). VCF-style: chr17-4542616-C-T. GRCh37 (hg19) VCF-style: chr17-4445911-C-T.
Other names: NC_000017.10:g.4445911C>T; c.3018G>A, p.Pro1006= (NM_001105538.2).
Identifiers: ClinVar variation 2647261 (VCV002647261.25), dbSNP rs143053719, ClinGen allele CA8304305.

ClinVar aggregate classification (germline): Likely benign (1 of 4 stars; one submission).

Allele frequency attached by ClinVar (database versions not stated): ExAC 0.00022; ESP Exome Variant Server 0.00038; gnomAD 0.00043; TOPMed 0.00049; 1000 Genomes Project 30x 0.00078; 1000 Genomes Project 0.00100.
gnomAD v4.1: 164 of 1,613,806 alleles (0.01%); highest among the groups gnomAD compares: African/African-American, 0.12%; 1 homozygote.

Submissions (3):

CeGaT Center for Human Genetics Tuebingen
Classification: Likely benign. Last evaluated: 2022-09-01. Review status: criteria provided, single submitter. Criteria: CeGaT Center For Human Genetics Tuebingen Variant Classification Criteria Version 2. Collection method: clinical testing. Allele origin: germline. Affected: yes. Observed: 1 variant allele.
Comment: MYBBP1A: BP4, BP7

Dr. Peter K. Rogan Lab, Western University
No classification provided (evidence only). Condition: Colorectal cancer. Review status: no classification provided. Collection method: in vitro. Allele origin: not applicable. Functional consequence: skipped exon, retained intron. Not counted in ClinVar's aggregate classification.

Dr. Peter K. Rogan Lab, Western University
No classification provided (evidence only). Condition: Gastric cancer. Review status: no classification provided. Collection method: in vitro. Allele origin: not applicable. Functional consequence: retained intron. Not counted in ClinVar's aggregate classification.